The following is an entry in ClinVar:

NM_000361.3(THBD):c.184G>T (p.Val62Leu)

Gene: THBD (thrombomodulin; minus strand). Cytogenetic location: 20p11.21.
Variant type: single nucleotide variant.
Coding change: c.184G>T on transcript NM_000361.3 (MANE Select); coding-DNA position 184, G replaced by T.
Protein change: p.Val62Leu; replaces valine 62 with leucine.
Molecular consequence: missense variant.
Genome position (GRCh38, 1-based): chr20:23,049,321, C>A on the plus strand (G>T on the coding strand, the complement: THBD is on the minus strand). VCF-style: chr20-23049321-C-A. GRCh37 (hg19) VCF-style: chr20-23029958-C-A.
Other names: p.Val62Leu; short protein forms V62L.
Identifiers: ClinVar variation 2683536 (VCV002683536.1), dbSNP rs773923798, ClinGen allele CA408408208.

ClinVar aggregate classification (germline): Uncertain significance (1 of 4 stars; one submission).

Submission:

Mayo Clinic Laboratories, Mayo Clinic
Classification: Uncertain significance. Last evaluated: 2022-04-11. Review status: criteria provided, single submitter. Criteria: ACMG Guidelines, 2015. Collection method: clinical testing. Allele origin: germline. Observed: 1 variant allele.
Comment: BP4, PM2_supporting